The following is an entry in ClinVar:

ClinVar aggregate classification (germline): Conflicting classifications of pathogenicity. Review status: criteria provided, conflicting classifications (1 of 4 stars). 6 submissions from 6 submitters: Uncertain significance (1); Benign (3); Likely benign (1). 1 of the submissions does not count toward it. Last evaluated 2026-05-01.

Conditions:
Glycogen storage disease IXb (GSD9B). Also called: GLYCOGENOSIS OF LIVER AND MUSCLE, AUTOSOMAL RECESSIVE; GSD IXb; PHOSPHORYLASE KINASE DEFICIENCY OF LIVER AND MUSCLE, AUTOSOMAL RECESSIVE. Identifiers: Orphanet 79240, MedGen C0543514, MONDO:0009868, OMIM 261750.
PHKB-related disorder. Also called: PHKB-related condition.

Allele frequency attached by ClinVar (database versions not stated): TOPMed 0.00080; 1000 Genomes Project 30x 0.00109; ESP Exome Variant Server 0.00116; 1000 Genomes Project 0.00140; gnomAD 0.00212 and 0.00217; gnomAD exomes 0.00224; ExAC 0.00248.
gnomAD v4.1: 2,578 of 1,613,112 alleles (0.16%); highest among the groups gnomAD compares: Non-Finnish European, 0.13%; 24 homozygotes.

Submissions (6):

CeGaT Center for Human Genetics Tuebingen
Classification: Likely benign. Last evaluated: 2026-05-01. Review status: criteria provided, single submitter. Criteria: CeGaT Center For Human Genetics Tuebingen Variant Classification Criteria Version 2. Collection method: clinical testing. Allele origin: germline. Affected: yes. Observed: 15 variant alleles.
Comment: PHKB: BS2

Labcorp Genetics (formerly Invitae), Labcorp
Classification: Benign for Glycogen storage disease IXb. Last evaluated: 2026-02-02. Review status: criteria provided, single submitter. Criteria: Invitae Variant Classification Sherloc (09022015). Collection method: clinical testing. Allele origin: germline.

Blueprint Genetics
Classification: Uncertain significance. Last evaluated: 2024-11-25. Review status: criteria provided, single submitter. Criteria: ACMG Guidelines, 2015. Collection method: clinical testing. Allele origin: germline.

Women's Health and Genetics/Laboratory Corporation of America, LabCorp
Classification: Benign. Last evaluated: 2022-06-28. Review status: criteria provided, single submitter. Criteria: LabCorp Variant Classification Summary - May 2015. Collection method: clinical testing. Allele origin: germline.
Comment: Variant summary: PHKB c.39G>A (p.Trp13X) results in a premature termination codon within the first exon of transcript NM_000293. An alternative transcript (NM_001031835) that is expressed in all tissues has a different initiation site downstream of this variant. The variant allele was found at a frequency of 0.0025 in 274676 control chromosomes (gnomAD), with 4 homozygotes. The variant occurs predominantly at a frequency of 0.014 within the Finnish subpopulation in the gnomAD database, including 3 homozygotes. The observed variant frequency within Finnish control individuals in the gnomAD database is approximately 13 fold of the estimated maximal expected allele frequency for a pathogenic variant in PHKB causing Glycogen Phosphorylase Kinase Deficiency (0.0011), strongly suggesting that the variant is a benign polymorphism found primarily in populations of Finnish origin. To our knowledge, no experimental evidence demonstrating its impact on protein function have been reported. Two ClinVar submitters have assessed the variant since 2014: both classified the variant as benign. Based on the evidence outlined above, the variant was classified as benign.

Illumina Laboratory Services, Illumina
Classification: Benign for Glycogen storage disease IXb. Last evaluated: 2017-04-27. Review status: criteria provided, single submitter. Criteria: ICSL Variant Classification Criteria 13 December 2019. Collection method: clinical testing. Allele origin: germline.
Comment: This variant was observed in the ICSL laboratory as part of a predisposition screen in an ostensibly healthy population. It had not been previously curated by ICSL or reported in the Human Gene Mutation Database (HGMD: prior to June 1st, 2018), and was therefore a candidate for classification through an automated scoring system. Utilizing variant allele frequency, disease prevalence and penetrance estimates, and inheritance mode, an automated score was calculated to assess if this variant is too frequent to cause the disease. Based on the score and internal cut-off values, a variant classified as benign is not then subjected to further curation. The score for this variant resulted in a classification of benign for this disease.

PreventionGenetics, part of Exact Sciences
Classification: Benign for PHKB-related condition. Last evaluated: 2022-05-26. Review status: no assertion criteria provided. Collection method: clinical testing. Allele origin: germline. Not counted in ClinVar's aggregate classification.
Comment: This variant is classified as benign based on ACMG/AMP sequence variant interpretation guidelines (Richards et al. 2015 PMID: 25741868, with internal and published modifications).

NM_000293.3(PHKB):c.39G>A (p.Trp13Ter)

Genes: PHKB (phosphorylase kinase regulatory subunit beta; plus strand), LOC130058947 (ATAC-STARR-seq lymphoblastoid silent region 7451; plus strand). Cytogenetic location: 16q12.1.
Variant type: single nucleotide variant.
Coding change: c.39G>A on transcript NM_000293.3 (MANE Select); coding-DNA position 39, G replaced by A.
Protein change: p.Trp13Ter; replaces tryptophan 13 with a stop codon.
Molecular consequence: nonsense. On other transcripts: 5 prime UTR variant (1).
Genome position (GRCh38, 1-based): chr16:47,461,389, G>A. VCF-style: chr16-47461389-G-A. GRCh37 (hg19) VCF-style: chr16-47495300-G-A.
Other names: c.-95G>A (NM_001031835.3); c.39G>A, p.Trp13Ter (NM_001363837.1); short protein forms W13*.
Identifiers: ClinVar variation 530957 (VCV000530957.46), dbSNP rs141733590, ClinGen allele CA8040316.